The following is an entry in ClinVar:

NM_000089.4(COL1A2):c.1246G>A (p.Val416Ile)

Gene: COL1A2 (collagen type I alpha 2 chain; plus strand). Cytogenetic location: 7q21.3.
Variant type: single nucleotide variant.
Coding change: c.1246G>A on transcript NM_000089.4 (MANE Select); coding-DNA position 1246, G replaced by A.
Protein change: p.Val416Ile; replaces valine 416 with isoleucine.
Molecular consequence: missense variant.
Genome position (GRCh38, 1-based): chr7:94,410,937, G>A. VCF-style: chr7-94410937-G-A. GRCh37 (hg19) VCF-style: chr7-94040249-G-A.
Other names: short protein forms V416I.
Identifiers: ClinVar variation 456803 (VCV000456803.23), dbSNP rs550867796, ClinGen allele CA4346961.
Genomic context (GRCh38, chr7:94,410,937, plus strand): 5'-ACTTTCTTGCAGGGTAGTCCTGGTTCTCGTGGTCTTCCTGGAGCTGATGGCAGAGCTGGC[G>A]TCATGGTAAGCTGTCTATCACTTACTTCCTAGAAAGGGGCTTGCTGCTTCTGGTGGTGGG-3'
Protein context (NP_000080.2, residues 406-426): GLPGADGRAG[Val416Ile]MGPPGSRGAS

ClinVar aggregate classification (germline): Conflicting classifications of pathogenicity. Review status: criteria provided, conflicting classifications (1 of 4 stars). 5 submissions from 5 submitters: Uncertain significance (4); Likely benign (1). Last evaluated 2025-12-15.

Conditions:
Ehlers-Danlos syndrome, classic type, 1 (EDSCL1). Also called: EDS I; EHLERS-DANLOS SYNDROME, GRAVIS TYPE; EHLERS-DANLOS SYNDROME, SEVERE CLASSIC TYPE; Ehlers-Danlos syndrome, type 1; Ehlers-Danlos Syndrome, Classic Type, COL5A1-Related. Identifiers: MedGen C0268335, MONDO:0019567, OMIM 130000.
Osteogenesis imperfecta type I (OI1). Also called: OI, TYPE I; OSTEOGENESIS IMPERFECTA TARDA; OSTEOGENESIS IMPERFECTA WITH BLUE SCLERAE; Osteogenesis imperfecta type 1; Lobstein's Disease; Lobstein disease. Identifiers: Orphanet 216796, Orphanet 666, MedGen C0023931, MONDO:0008146, OMIM 166200. Disease mechanism: loss of function.
COL1A2-related disorder. Also called: COL1A2-Related Disorders; COL1A2-related condition.
Osteogenesis imperfecta type III (OI3). Also called: Osteogenesis imperfecta type 3; OI type 3; Osteogenesis imperfecta, progressively deforming with normal sclerae; OI type III; Progressively Deforming Osteogenesis Imperfecta. Identifiers: Orphanet 216812, Orphanet 666, MedGen C0268362, MONDO:0009804, OMIM 259420.

Allele frequency attached by ClinVar (database versions not stated): gnomAD 0.00003 and 0.00004; ExAC 0.00006; TOPMed 0.00006; gnomAD exomes 0.00008 and 0.00010; 1000 Genomes Project 30x 0.00016; 1000 Genomes Project 0.00020.
gnomAD v4.1: 159 of 1,613,922 alleles (0.0099%); highest among the groups gnomAD compares: South Asian, 0.047%; no homozygotes.

Submissions (5):

Labcorp Genetics (formerly Invitae), Labcorp
Classification: Likely benign for Osteogenesis imperfecta type I; Ehlers-Danlos syndrome, classic type, 1. Last evaluated: 2025-12-15. Review status: criteria provided, single submitter. Criteria: Invitae Variant Classification Sherloc (09022015). Collection method: clinical testing. Allele origin: germline.

PreventionGenetics, part of Exact Sciences
Classification: Uncertain significance for COL1A2-related condition. Last evaluated: 2025-11-25. Review status: criteria provided, single submitter. Criteria: ACMG Guidelines, 2015. Collection method: clinical testing. Allele origin: germline.
Comment: The COL1A2 c.1246G>A variant is predicted to result in the amino acid substitution p.Val416Ile. This variant was reported in the homozygous state in an individual from a cohort of patients with congenital heart defects (Jin et al. 2017. PubMed ID: 28991257). This variant is reported in 0.056% of alleles in individuals of South Asian descent in gnomAD. At this time, the clinical significance of this variant is uncertain due to the absence of conclusive functional and genetic evidence.

ARUP Laboratories, Molecular Genetics and Genomics, ARUP Laboratories
Classification: Uncertain significance. Last evaluated: 2024-04-03. Review status: criteria provided, single submitter. Criteria: ARUP Molecular Germline Variant Investigation Process 2024. Collection method: clinical testing. Allele origin: germline.
Comment: The COL1A2 c.1246G>A; p.Val416Ile variant (rs550867796), to our knowledge, is not reported in the medical literature in association with a skeletal or connective tissue disorder but is reported in ClinVar (Variation ID: 456803). This variant is found in the South Asian population with an allele frequency of 0.06% (17/30,616 alleles) in the Genome Aggregation Database (v2.1.1). Computational analyses are uncertain whether this variant is neutral or deleterious (REVEL: 0.373). Due to limited information, the clinical significance of this variant is uncertain at this time.

GeneDx
Classification: Uncertain significance. Last evaluated: 2019-09-03. Review status: criteria provided, single submitter. Criteria: GeneDx Variant Classification Process June 2021. Collection method: clinical testing. Allele origin: germline. Affected: yes.
Comment: Has not been reported in association with connective tissue disorders to the best of our knowledge; In silico analysis, which includes protein predictors and evolutionary conservation, supports that this variant does not alter protein structure/function; Reported in ClinVar but additional evidence is not available (ClinVar Variant ID# 456803; Landrum et al., 2016); This variant is associated with the following publications: (PMID: 28991257)

Neuberg Centre For Genomic Medicine, NCGM
Classification: Uncertain significance for Osteogenesis imperfecta type III. Review status: criteria provided, single submitter. Criteria: ACMG Guidelines, 2015. Collection method: clinical testing. Allele origin: germline. Inheritance: Autosomal dominant inheritance. Affected: yes.
Comment: The missense variant p.Val416Ile in COL1A2 (NM_000089.4) has been reported to the ClinVar database with conflicting interpretation of pathogenicity [Uncertain significance/ likely benign]. The p.Val416Ile variant has allele frequency of 0.008% in the gnomAD Exomes database. The amino acid Val at position 416 is changed to a Ile changing protein sequence and it might alter its composition and physico-chemical properties. In silico tools predict the variant to be tolerated. The residue is conserved across species. The amino acid change p.Val416Ile in COL1A2 is predicted as conserved by GERP++ and PhyloP across 100 vertebrates. For these reasons, this variant has been classified as Uncertain Significance (VUS).